The following is an entry in ClinVar:

ClinVar aggregate classification (germline): Pathogenic/Likely pathogenic. Review status: criteria provided, multiple submitters, no conflicts (2 of 4 stars). 5 submissions from 5 submitters: Pathogenic (1); Likely pathogenic (3). 1 of the submissions does not count toward it. Last evaluated 2025-03-17.

Conditions:
Meckel-Gruber syndrome. Also called: DYSENCEPHALIA SPLANCHNOCYSTICA; GRUBER SYNDROME; Dysencephalia splachnocystica. Identifiers: Orphanet 564, MedGen C0265215, MONDO:0018921.
Nephronophthisis. Also called: Juvenile Nephronophthisis. Identifiers: Orphanet 655, MedGen C0687120, MONDO:0019005, HP:0000090.
Joubert syndrome. Also called: CEREBELLOPARENCHYMAL DISORDER IV; JOUBERT-BOLTSHAUSER SYNDROME; Familial aplasia of the vermis. Identifiers: Orphanet 475, MedGen C5979921, MONDO:0018772.
CEP290-related disorder. Also called: CEP290-related condition; CEP290-related disorders. Identifiers: MedGen CN239314.
Senior-Loken syndrome 6 (SLSN6). Identifiers: Orphanet 3156, MedGen C1857779, MONDO:0012433, OMIM 610189.
Leber congenital amaurosis 10 (LCA10). Identifiers: Orphanet 65, MedGen C1857821, MONDO:0012723, OMIM 611755.
Bardet-Biedl syndrome 14 (BBS14). Identifiers: Orphanet 110, MedGen C2673874, MONDO:0014442, OMIM 615991.
Meckel syndrome, type 4 (MKS4). Also called: MECKEL-GRUBER SYNDROME, TYPE 4. Identifiers: Orphanet 564, MedGen C1970161, MONDO:0012626, OMIM 611134.
Joubert syndrome 5 (JBTS5). Identifiers: Orphanet 2318, MedGen C1857780, MONDO:0012432, OMIM 610188.
Leber congenital amaurosis (LCA). Also called: Leber's amaurosis. Identifiers: Orphanet 65, MedGen C0339527, MeSH D057130, MONDO:0018998.

Submissions (5):

Natera, Inc.
Classification: Likely pathogenic for Leber congenital amaurosis. Last evaluated: 2025-03-17. Review status: criteria provided, single submitter. Criteria: Natera Variant Classification Schema (03/2026). Collection method: clinical testing. Allele origin: germline.
Comment: The c.7233dupA variant in CEP290 is a frameshift variant predicted to shift the reading frame beginning at codon 2412 and leads to a stop codon 6 codons downstream. This variant is expected to result in nonsense mediated decay, truncation, or a dysfunctional protein product. This variant is rare in the general population with a frequency below the threshold expected for the associated phenotype(s). Given the available evidence, this variant is classified as Likely Pathogenic.

Baylor Genetics
Classification: Likely pathogenic for Bardet-Biedl syndrome 14. Last evaluated: 2024-03-16. Review status: criteria provided, single submitter. Criteria: ACMG Guidelines, 2015. Collection method: clinical testing. Allele origin: unknown.

Labcorp Genetics (formerly Invitae), Labcorp
Classification: Pathogenic for Joubert syndrome; Meckel-Gruber syndrome; Nephronophthisis. Last evaluated: 2023-07-26. Review status: criteria provided, single submitter. Criteria: Invitae Variant Classification Sherloc (09022015). Collection method: clinical testing. Allele origin: germline.
Comment: ClinVar contains an entry for this variant (Variation ID: 848929). For these reasons, this variant has been classified as Pathogenic. This variant disrupts a region of the CEP290 protein in which other variant(s) (p.Leu2448Thrfs*8) have been determined to be pathogenic (PMID: 16682973, 16909394, 29588463). This suggests that this is a clinically significant region of the protein, and that variants that disrupt it are likely to be disease-causing. This variant has not been reported in the literature in individuals affected with CEP290-related conditions. This variant is not present in population databases (gnomAD no frequency). This sequence change creates a premature translational stop signal (p.Glu2412Argfs*6) in the CEP290 gene. While this is not anticipated to result in nonsense mediated decay, it is expected to disrupt the last 68 amino acid(s) of the CEP290 protein.

Fulgent Genetics
Classification: Likely pathogenic for Joubert syndrome 5; Senior-Loken syndrome 6; Meckel syndrome, type 4; Leber congenital amaurosis 10; Bardet-Biedl syndrome 14. Last evaluated: 2021-10-06. Review status: criteria provided, single submitter. Criteria: ACMG Guidelines, 2015. Collection method: clinical testing. Allele origin: unknown.

PreventionGenetics, part of Exact Sciences
Classification: Likely pathogenic for CEP290-related condition. Last evaluated: 2024-03-21. Review status: no assertion criteria provided. Collection method: clinical testing. Allele origin: germline. Not counted in ClinVar's aggregate classification.
Comment: The CEP290 c.7233dupA variant is predicted to result in a frameshift and premature protein termination (p.Glu2412Argfs*6). This variant is present in the last exon of CEP290 and is not predicted to undergo nonsense mediated decay. To our knowledge, this variant has not been reported in the literature. However, truncating variants downstream of this variant have been determined to be pathogenic (see for example - p.Leu2448Thrfs*8 - Feldhaus et al. 2020. PubMed ID: 31734136; Sayer et al. 2006. PubMed ID: 16682973). This variant has not been reported in a large population database, indicating this variant is rare. This variant is interpreted as likely pathogenic.

Literature cited by the submitters: PubMed 16682973 (cited by Labcorp Genetics (formerly Invitae), Labcorp); PubMed 16909394 (cited by Labcorp Genetics (formerly Invitae), Labcorp); PubMed 29588463 (cited by Labcorp Genetics (formerly Invitae), Labcorp).

NM_025114.4(CEP290):c.7233dup (p.Glu2412fs)

Genes: CEP290 (centrosomal protein 290; minus strand), RLIG1 (RNA 5'-phosphate and 3'-OH ligase 1; plus strand). Cytogenetic location: 12q21.32.
Variant type: Duplication.
Coding change: c.7233dup on transcript NM_025114.4 (MANE Select); coding-DNA position 7233, one base duplicated (A; older notation c.7233dupA).
Protein change: p.Glu2412fs; shifts the reading frame from glutamic acid 2412.
Molecular consequence: frameshift variant. On other transcripts: 3 prime UTR variant (1).
Genome position (GRCh38, 1-based): chr12:88,049,391, T duplicated on the plus strand (A on the coding strand, the reverse complement: CEP290 is on the minus strand); the first of 6 consecutive T bases (chr12:88,049,391-88,049,396); duplicating any one gives the same sequence. VCF-style (leftmost placement, unchanged base first): chr12-88049390-C-CT. GRCh37 (hg19) VCF-style: chr12-88443167-C-CT.
Other names: c.*974dup (NM_001009894.3); c.7233dupA (NM_025114.3); short protein forms E2412fs.
Identifiers: ClinVar variation 848929 (VCV000848929.15), dbSNP rs2033254449, ClinGen allele CA481052674.